The following is an entry in ClinVar:

NM_152383.5(DIS3L2):c.2042A>G (p.Gln681Arg)

Gene: DIS3L2 (DIS3 like 3'-5' exoribonuclease 2; plus strand). Cytogenetic location: 2q37.1.
Variant type: single nucleotide variant.
Coding change: c.2042A>G on transcript NM_152383.5 (MANE Select); coding-DNA position 2042, A replaced by G.
Protein change: p.Gln681Arg; replaces glutamine 681 with arginine.
Molecular consequence: missense variant. On other transcripts: non-coding transcript variant (2), intron variant (1).
Genome position (GRCh38, 1-based): chr2:232,333,871, A>G. VCF-style: chr2-232333871-A-G. GRCh37 (hg19) VCF-style: chr2-233198581-A-G.
Other names: c.1582-9474A>G (NM_001257281.2); short protein forms Q681R.
Identifiers: ClinVar variation 1354764 (VCV001354764.8), dbSNP rs2106353446, ClinGen allele CA350977355.

ClinVar aggregate classification (germline): Uncertain significance (1 of 4 stars; one submission).

Conditions:
Perlman syndrome (PRLMNS). Identifiers: Orphanet 2849, MedGen C0796113, MONDO:0009965, OMIM 267000.

Submission:

Labcorp Genetics (formerly Invitae), Labcorp
Classification: Uncertain significance for Perlman syndrome. Last evaluated: 2022-03-22. Review status: criteria provided, single submitter. Criteria: Invitae Variant Classification Sherloc (09022015). Collection method: clinical testing. Allele origin: germline.
Comment: Algorithms developed to predict the effect of missense changes on protein structure and function output the following: SIFT: "Tolerated"; PolyPhen-2: "Benign"; Align-GVGD: "Class C0". The arginine amino acid residue is found in multiple mammalian species, which suggests that this missense change does not adversely affect protein function. This variant has not been reported in the literature in individuals affected with DIS3L2-related conditions. This variant is not present in population databases (gnomAD no frequency). This sequence change replaces glutamine, which is neutral and polar, with arginine, which is basic and polar, at codon 681 of the DIS3L2 protein (p.Gln681Arg). In summary, the available evidence is currently insufficient to determine the role of this variant in disease. Therefore, it has been classified as a Variant of Uncertain Significance. Algorithms developed to predict the effect of sequence changes on RNA splicing suggest that this variant may disrupt the consensus splice site.